The following is an entry in ClinVar:

NC_000011.9:g.(?_63974837)_(63990964_?)dup

Gene: FERMT3 (FERM domain containing kindlin 3; plus strand). Cytogenetic location: 11q13.1.
Variant type: Duplication.
Identifiers: ClinVar variation 1445127 (VCV001445127.2).

ClinVar aggregate classification (germline): Uncertain significance (1 of 4 stars; one submission).

Conditions:
Leukocyte adhesion deficiency 3. Also called: INTEGRIN ACTIVATION DEFICIENCY DISEASE; LEUKOCYTE ADHESION DEFICIENCY 1 VARIANT; Leukocyte adhesion deficiency, type III. Identifiers: Orphanet 2968, Orphanet 99844, MedGen C2748536, MONDO:0013016, OMIM 612840.

Submission:

Labcorp Genetics (formerly Invitae), Labcorp
Classification: Uncertain significance for Leukocyte adhesion deficiency 3. Last evaluated: 2023-11-27. Review status: criteria provided, single submitter. Criteria: Invitae Variant Classification Sherloc (09022015). Collection method: clinical testing. Allele origin: germline.
Comment: A copy number gain of the genomic region encompassing the full coding sequence of the FERMT3 gene has been identified. The boundaries of this event are unknown as they extend beyond the assayed region for this gene and therefore may encompass additional genes. As the precise location of this event is unknown, it may be in tandem or it may be located elsewhere in the genome. This variant has not been reported in the literature in individuals affected with FERMT3-related conditions. In summary, the available evidence is currently insufficient to determine the role of this variant in disease. Therefore, it has been classified as a Variant of Uncertain Significance.